The following is an entry in ClinVar:

NM_005026.5(PIK3CD):c.931-9G>A

Gene: PIK3CD (phosphatidylinositol-4,5-bisphosphate 3-kinase catalytic subunit delta; plus strand). Cytogenetic location: 1p36.22.
Variant type: single nucleotide variant.
Coding change: c.931-9G>A on transcript NM_005026.5 (MANE Select); 9 bases into the intron before coding-DNA position 931, G replaced by A.
Molecular consequence: intron variant.
Genome position (GRCh38, 1-based): chr1:9,717,528, G>A. VCF-style: chr1-9717528-G-A. GRCh37 (hg19) VCF-style: chr1-9777586-G-A.
Other names: c.931-9G>A (NM_001350234.2); c.844-9G>A (NM_001350235.1).
Identifiers: ClinVar variation 2086194 (VCV002086194.4), dbSNP rs28730669, ClinGen allele CA2580062572.
Genomic context (GRCh38, chr1:9,717,528, plus strand): 5'-CTCACCATAGGCCAGGGAGACAAGCTGCACTTTGAGCCGTGTTAACAGCCCTGCTTCCCC[G>A]GCCCCCAGCCTTCCTCTGTGTCCCTGTGGTCCCTGGAGCAGCCGTTCCGCATCGAGCTCA-3'

ClinVar aggregate classification (germline): Uncertain significance (1 of 4 stars; one submission).

Conditions:
Immunodeficiency 14 (IMD14A). Also called: Activated PI3K Delta Syndrome Type 1 (APDS1); p110-DELTA-ACTIVATING MUTATION CAUSING SENESCENT T CELLS, LYMPHADENOPATHY, AND IMMUNODEFICIENCY; IMMUNODEFICIENCY 14A WITH LYMPHOPROLIFERATION, AUTOSOMAL DOMINANT; ACTIVATED PI3K-DELTA SYNDROME 1. Identifiers: Orphanet 397596, Orphanet 693661, MedGen C5907821, MONDO:0014222, OMIM 615513.

Submission:

Labcorp Genetics (formerly Invitae), Labcorp
Classification: Uncertain significance for Activated PI3K-delta syndrome. Last evaluated: 2022-09-12. Review status: criteria provided, single submitter. Criteria: Invitae Variant Classification Sherloc (09022015). Collection method: clinical testing. Allele origin: germline.
Comment: This sequence change falls in intron 7 of the PIK3CD gene. It does not directly change the encoded amino acid sequence of the PIK3CD protein. This variant is not present in population databases (gnomAD no frequency). This variant has not been reported in the literature in individuals affected with PIK3CD-related conditions. Algorithms developed to predict the effect of sequence changes on RNA splicing suggest that this variant may disrupt the consensus splice site. In summary, the available evidence is currently insufficient to determine the role of this variant in disease. Therefore, it has been classified as a Variant of Uncertain Significance.